The following is an entry in ClinVar:

ClinVar aggregate classification (germline): Uncertain significance. Review status: criteria provided, multiple submitters, no conflicts (2 of 4 stars). 5 submissions from 5 submitters: Uncertain significance (3). 2 of the submissions do not count toward it. Last evaluated 2024-01-24.

Conditions:
Retinitis pigmentosa 74 (RP74). Identifiers: Orphanet 791, MedGen C4225281, MONDO:0014692, OMIM 616562.
Bardet-Biedl syndrome 2 (BBS2). Identifiers: Orphanet 110, MedGen C2936863, MONDO:0014432, OMIM 615981.
BBS2-related disorder. Also called: BBS2-related disorders; BBS2-related condition. Identifiers: MedGen CN239228.
Bardet-Biedl syndrome (BBS). Identifiers: Orphanet 110, MedGen C0752166, MONDO:0015229.

Allele frequency attached by ClinVar (database versions not stated): gnomAD exomes 0.00006 and 0.00009; TOPMed 0.00006; ESP Exome Variant Server 0.00008; gnomAD 0.00008; ExAC 0.00012; 1000 Genomes Project 30x 0.00031; 1000 Genomes Project 0.00040.
gnomAD v4.1: 96 of 1,613,908 alleles (0.0059%); highest among the groups gnomAD compares: South Asian, 0.059%; no homozygotes.

Submissions (5):

Fulgent Genetics
Classification: Uncertain significance for Bardet-Biedl syndrome 2; Retinitis pigmentosa 74. Last evaluated: 2024-01-24. Review status: criteria provided, single submitter. Criteria: ACMG Guidelines, 2015. Collection method: clinical testing. Allele origin: germline.

Labcorp Genetics (formerly Invitae), Labcorp
Classification: Uncertain significance for Bardet-Biedl syndrome. Last evaluated: 2022-09-27. Review status: criteria provided, single submitter. Criteria: Invitae Variant Classification Sherloc (09022015). Collection method: clinical testing. Allele origin: germline.
Comment: This sequence change replaces threonine, which is neutral and polar, with methionine, which is neutral and non-polar, at codon 157 of the BBS2 protein (p.Thr157Met). This variant is present in population databases (rs376483931, gnomAD 0.04%). This variant has not been reported in the literature in individuals affected with BBS2-related conditions. ClinVar contains an entry for this variant (Variation ID: 1017854). Algorithms developed to predict the effect of missense changes on protein structure and function (SIFT, PolyPhen-2, Align-GVGD) all suggest that this variant is likely to be disruptive. Algorithms developed to predict the effect of sequence changes on RNA splicing suggest that this variant may disrupt the consensus splice site. In summary, the available evidence is currently insufficient to determine the role of this variant in disease. Therefore, it has been classified as a Variant of Uncertain Significance.

Blueprint Genetics
Classification: Uncertain significance. Last evaluated: 2021-05-03. Review status: criteria provided, single submitter. Criteria: ACMG Guidelines, 2015. Collection method: clinical testing. Allele origin: germline.

PreventionGenetics, part of Exact Sciences
Classification: Uncertain significance for BBS2-related condition. Last evaluated: 2023-12-14. Review status: no assertion criteria provided. Collection method: clinical testing. Allele origin: germline. Not counted in ClinVar's aggregate classification.
Comment: The BBS2 c.470C>T variant is predicted to result in the amino acid substitution p.Thr157Met. To our knowledge, this variant has not been reported in the literature. This variant is reported in 0.042% of alleles in individuals of South Asian descent in gnomAD. At this time, the clinical significance of this variant is uncertain due to the absence of conclusive functional and genetic evidence.

Natera, Inc.
Classification: Uncertain significance for Bardet-Biedl syndrome type 2. Last evaluated: 2020-01-24. Review status: no assertion criteria provided. Collection method: clinical testing. Allele origin: germline. Not counted in ClinVar's aggregate classification.

NM_031885.5(BBS2):c.470C>T (p.Thr157Met)

Gene: BBS2 (Bardet-Biedl syndrome 2; minus strand). Cytogenetic location: 16q13.
Variant type: single nucleotide variant.
Coding change: c.470C>T on transcript NM_031885.5 (MANE Select); coding-DNA position 470, C replaced by T.
Protein change: p.Thr157Met; replaces threonine 157 with methionine.
Molecular consequence: missense variant. On other transcripts: non-coding transcript variant (5).
Genome position (GRCh38, 1-based): chr16:56,511,160, G>A on the plus strand (C>T on the coding strand, the complement: BBS2 is on the minus strand). VCF-style: chr16-56511160-G-A. GRCh37 (hg19) VCF-style: chr16-56545072-G-A.
Other names: c.470C>T (NM_031885.3); c.470C>T, p.Thr157Met (NM_001377456.1); short protein forms T157M.
Identifiers: ClinVar variation 1017854 (VCV001017854.8), dbSNP rs376483931, ClinGen allele CA8066046.